The following is an entry in ClinVar:

ClinVar aggregate classification (germline): Uncertain significance. Review status: criteria provided, multiple submitters, no conflicts (2 of 4 stars). 5 submissions from 5 submitters: Uncertain significance (5). Last evaluated 2025-10-17.

Conditions:
Cardiovascular phenotype. Identifiers: MedGen CN230736.
Dilated cardiomyopathy 1BB (CMD1BB). Also called: CARDIOMYOPATHY, DILATED, 1BB, SUSCEPTIBILITY TO. Identifiers: Orphanet 154, MedGen C2752072, MONDO:0013030, OMIM 612877.
Arrhythmogenic right ventricular dysplasia 10. Also called: Arrhythmogenic right ventricular dysplasia/cardiomyopathy, type 10; ARRHYTHMOGENIC RIGHT VENTRICULAR DYSPLASIA, FAMILIAL, 10; Arrhythmogenic Right Ventricular Dysplasia/Cardiomyopathy10. Identifiers: MedGen C1857777, MONDO:0012434, OMIM 610193.
Cardiomyopathy (CMYO). Also called: Cardiomyopathies. Identifiers: Orphanet 167848, MedGen C0878544, MONDO:0004994, HP:0001638. Inheritance: Various modes of inheritance.

Allele frequency attached by ClinVar (database versions not stated): gnomAD exomes 0.00002; TOPMed 0.00002; ESP Exome Variant Server 0.00008.
gnomAD v4.1: 26 of 1,614,004 alleles (0.0016%); highest among the groups gnomAD compares: Non-Finnish European, 0.0021%; no homozygotes.

Submissions (5):

Labcorp Genetics (formerly Invitae), Labcorp
Classification: Uncertain significance for Arrhythmogenic right ventricular dysplasia 10. Last evaluated: 2025-10-17. Review status: criteria provided, single submitter. Criteria: Invitae Variant Classification Sherloc (09022015). Collection method: clinical testing. Allele origin: germline.
Comment: This sequence change replaces aspartic acid, which is acidic and polar, with glutamic acid, which is acidic and polar, at codon 535 of the DSG2 protein (p.Asp535Glu). This variant is present in population databases (rs368718022, gnomAD 0.0009%). This variant has not been reported in the literature in individuals affected with DSG2-related conditions. ClinVar contains an entry for this variant (Variation ID: 421691). Invitae Evidence Modeling of protein sequence and biophysical properties (such as structural, functional, and spatial information, amino acid conservation, physicochemical variation, residue mobility, and thermodynamic stability) indicates that this missense variant is not expected to disrupt DSG2 protein function with a negative predictive value of 95%. In summary, the available evidence is currently insufficient to determine the role of this variant in disease. Therefore, it has been classified as a Variant of Uncertain Significance.

Ambry Genetics
Classification: Uncertain significance for Cardiovascular phenotype. Last evaluated: 2025-02-15. Review status: criteria provided, single submitter. Criteria: Ambry Variant Classification Scheme 2023. Collection method: clinical testing. Allele origin: germline.
Comment: The p.D535E variant (also known as c.1605C>A), located in coding exon 11 of the DSG2 gene, results from a C to A substitution at nucleotide position 1605. The aspartic acid at codon 535 is replaced by glutamic acid, an amino acid with highly similar properties. This amino acid position is conserved. In addition, this alteration is predicted to be tolerated by in silico analysis. Since supporting evidence is limited at this time, the clinical significance of this alteration remains unclear.

Color Diagnostics, LLC DBA Color Health
Classification: Uncertain significance for Cardiomyopathy. Last evaluated: 2024-06-03. Review status: criteria provided, single submitter. Criteria: ACMG Guidelines, 2015. Collection method: clinical testing. Allele origin: germline.
Comment: This missense variant replaces aspartic acid with glutamic acid at codon 535 of the DSG2 protein. Computational prediction suggests that this variant may not impact protein structure and function (internally defined REVEL score threshold <= 0.5, PMID: 27666373). To our knowledge, functional studies have not been reported for this variant. This variant has not been reported in individuals affected with DSG2-related disorders in the literature. This variant has been identified in 1/249308 chromosomes in the general population by the Genome Aggregation Database (gnomAD). The available evidence is insufficient to determine the role of this variant in disease conclusively. Therefore, this variant is classified as a Variant of Uncertain Significance.

Fulgent Genetics
Classification: Uncertain significance for Arrhythmogenic right ventricular dysplasia 10; Dilated cardiomyopathy 1BB. Last evaluated: 2021-09-15. Review status: criteria provided, single submitter. Criteria: ACMG Guidelines, 2015. Collection method: clinical testing. Allele origin: unknown.

GeneDx
Classification: Uncertain significance. Last evaluated: 2016-07-15. Review status: criteria provided, single submitter. Criteria: GeneDx Variant Classification (06012015). Collection method: clinical testing. Allele origin: germline. Affected: yes.
Comment: A variant of uncertain significance has been identified in the DSG2 gene. The D535E variant has not been published as a pathogenic variant, nor has it been reported as a benign variant to our knowledge. The D535E variant was not observed with any significant frequency in approximately 6,000 individuals of European and African American ancestry in the NHLBI Exome Sequencing Project. This substitution occurs at a position that is conserved across species. However, the D535E variant is a conservative amino acid substitution, which is not likely to impact secondary protein structure as these residues share similar properties. Finally, in silico analysis is inconsistent in its predictions as to whether or not the variant is damaging to the protein structure/function. Therefore, based on the currently available information, it is unclear whether this variant is pathogenic or rare benign.

NM_001943.5(DSG2):c.1605C>A (p.Asp535Glu)

Gene: DSG2 (desmoglein 2; plus strand). Cytogenetic location: 18q12.1.
Variant type: single nucleotide variant.
Coding change: c.1605C>A on transcript NM_001943.5 (MANE Select); coding-DNA position 1605, C replaced by A.
Protein change: p.Asp535Glu; replaces aspartic acid 535 with glutamic acid.
Molecular consequence: missense variant.
Genome position (GRCh38, 1-based): chr18:31,536,383, C>A. VCF-style: chr18-31536383-C-A. GRCh37 (hg19) VCF-style: chr18-29116346-C-A.
Other names: c.1605C>A (LRG_397t1); short protein forms D535E.
Identifiers: ClinVar variation 421691 (VCV000421691.14), dbSNP rs368718022, ClinGen allele CA042967.